The following is an entry in ClinVar:

ClinVar aggregate classification (germline): Uncertain significance (1 of 4 stars; one submission).

Conditions:
Amyotrophic lateral sclerosis type 15. Also called: AMYOTROPHIC LATERAL SCLEROSIS 15 WITH FRONTOTEMPORAL DEMENTIA. Identifiers: Orphanet 803, MedGen C3275459, MONDO:0010459, OMIM 300857.

Allele frequency attached by ClinVar (database versions not stated): gnomAD exomes 0.00002; TOPMed 0.00002; gnomAD 0.00003; ExAC 0.00005; ESP Exome Variant Server 0.00028.

Submission:

Labcorp Genetics (formerly Invitae), Labcorp
Classification: Uncertain significance for Amyotrophic lateral sclerosis type 15. Last evaluated: 2024-12-30. Review status: criteria provided, single submitter. Criteria: Invitae Variant Classification Sherloc (09022015). Collection method: clinical testing. Allele origin: germline.
Comment: This sequence change replaces glutamine, which is neutral and polar, with histidine, which is basic and polar, at codon 425 of the UBQLN2 protein (p.Gln425His). This variant is present in population databases (rs140167423, gnomAD 0.01%), including at least one homozygous and/or hemizygous individual. This variant has not been reported in the literature in individuals affected with UBQLN2-related conditions. ClinVar contains an entry for this variant (Variation ID: 2995271). An algorithm developed to predict the effect of missense changes on protein structure and function (PolyPhen-2) suggests that this variant is likely to be disruptive. In summary, the available evidence is currently insufficient to determine the role of this variant in disease. Therefore, it has been classified as a Variant of Uncertain Significance.

NM_013444.4(UBQLN2):c.1275G>T (p.Gln425His)

Gene: UBQLN2 (ubiquilin 2; plus strand). Cytogenetic location: Xp11.21.
Variant type: single nucleotide variant.
Coding change: c.1275G>T on transcript NM_013444.4 (MANE Select); coding-DNA position 1275, G replaced by T.
Protein change: p.Gln425His; replaces glutamine 425 with histidine.
Molecular consequence: missense variant.
Genome position (GRCh38, 1-based): chrX:56,565,148, G>T. VCF-style: chrX-56565148-G-T. GRCh37 (hg19) VCF-style: chrX-56591581-G-T.
Other names: short protein forms Q425H.
Identifiers: ClinVar variation 2995271 (VCV002995271.3), dbSNP rs140167423, ClinGen allele CA10430142.